The following is an entry in ClinVar:

ClinVar aggregate classification (germline): Uncertain significance (1 of 4 stars; one submission).

Conditions:
Spastic paraplegia. Identifiers: MedGen C0037772, HP:0001258.

Allele frequency attached by ClinVar (database versions not stated): gnomAD exomes below 0.00001; ExAC 0.00001; TOPMed 0.00002; gnomAD 0.00003.
gnomAD v4.1: 10 of 1,549,590 alleles (0.00065%); highest among the groups gnomAD compares: African/African-American, 0.0054%; no homozygotes.

Submission:

Labcorp Genetics (formerly Invitae), Labcorp
Classification: Uncertain significance for Spastic paraplegia. Last evaluated: 2023-01-20. Review status: criteria provided, single submitter. Criteria: Invitae Variant Classification Sherloc (09022015). Collection method: clinical testing. Allele origin: germline.
Comment: This variant has not been reported in the literature in individuals affected with HSPD1-related conditions. In summary, the available evidence is currently insufficient to determine the role of this variant in disease. Therefore, it has been classified as a Variant of Uncertain Significance. Experimental studies have shown that this missense change does not substantially affect HSPD1 function (PMID: 17072495). Advanced modeling of protein sequence and biophysical properties (such as structural, functional, and spatial information, amino acid conservation, physicochemical variation, residue mobility, and thermodynamic stability) performed at Invitae indicates that this missense variant is not expected to disrupt HSPD1 protein function. This variant is present in population databases (rs780286521, gnomAD 0.004%). This sequence change replaces glycine, which is neutral and non-polar, with aspartic acid, which is acidic and polar, at codon 559 of the HSPD1 protein (p.Gly559Asp).

Literature cited by the submitters: PubMed 17072495.

NM_002156.5(HSPD1):c.1676G>A (p.Gly559Asp)

Gene: HSPD1 (heat shock protein family D (Hsp60) member 1; minus strand). Cytogenetic location: 2q33.1.
Variant type: single nucleotide variant.
Coding change: c.1676G>A on transcript NM_002156.5 (MANE Select); coding-DNA position 1676, G replaced by A.
Protein change: p.Gly559Asp; replaces glycine 559 with aspartic acid.
Molecular consequence: missense variant.
Genome position (GRCh38, 1-based): chr2:197,487,092, C>T on the plus strand (G>A on the coding strand, the complement: HSPD1 is on the minus strand). VCF-style: chr2-197487092-C-T. GRCh37 (hg19) VCF-style: chr2-198351816-C-T.
Other names: c.1676G>A, p.Gly559Asp (NM_199440.2); short protein forms G559D.
Identifiers: ClinVar variation 2726003 (VCV002726003.3), dbSNP rs780286521, ClinGen allele CA2043310.